The following is an entry in ClinVar:

ClinVar aggregate classification (germline): Uncertain significance (1 of 4 stars; one submission).

Allele frequency attached by ClinVar (database versions not stated): TOPMed below 0.00001; gnomAD 0.00001; gnomAD exomes 0.00001.
gnomAD v4.1: 5 of 1,610,094 alleles (0.00031%); highest among the groups gnomAD compares: African/African-American, 0.0013%; no homozygotes.

Submission:

Labcorp Genetics (formerly Invitae), Labcorp
Classification: Uncertain significance. Last evaluated: 2025-02-17. Review status: criteria provided, single submitter. Criteria: Invitae Variant Classification Sherloc (09022015). Collection method: clinical testing. Allele origin: germline.
Comment: This sequence change replaces serine, which is neutral and polar, with phenylalanine, which is neutral and non-polar, at codon 23 of the C7 protein (p.Ser23Phe). This variant is present in population databases (no rsID available, gnomAD 0.007%). This variant has not been reported in the literature in individuals affected with C7-related conditions. ClinVar contains an entry for this variant (Variation ID: 1515316). Invitae Evidence Modeling of protein sequence and biophysical properties (such as structural, functional, and spatial information, amino acid conservation, physicochemical variation, residue mobility, and thermodynamic stability) indicates that this missense variant is not expected to disrupt C7 protein function with a negative predictive value of 80%. In summary, the available evidence is currently insufficient to determine the role of this variant in disease. Therefore, it has been classified as a Variant of Uncertain Significance.

NM_000587.4(C7):c.68C>T (p.Ser23Phe)

Gene: C7 (complement C7; plus strand). Cytogenetic location: 5p13.1.
Variant type: single nucleotide variant.
Coding change: c.68C>T on transcript NM_000587.4 (MANE Select); coding-DNA position 68, C replaced by T.
Protein change: p.Ser23Phe; replaces serine 23 with phenylalanine.
Molecular consequence: missense variant.
Genome position (GRCh38, 1-based): chr5:40,931,069, C>T. VCF-style: chr5-40931069-C-T. GRCh37 (hg19) VCF-style: chr5-40931171-C-T.
Other names: short protein forms S23F.
Identifiers: ClinVar variation 1515316 (VCV001515316.7), dbSNP rs1330433248, ClinGen allele CA359588065.